The following is an entry in ClinVar:

ClinVar aggregate classification (germline): Uncertain significance (1 of 4 stars; one submission).

Conditions:
Hereditary hyperekplexia. Identifiers: Orphanet 3197, MedGen C4084968, MONDO:0021022.

Allele frequency attached by ClinVar (database versions not stated): gnomAD exomes below 0.00001; ExAC 0.00001; gnomAD 0.00001.
gnomAD v4.1: 2 of 1,612,250 alleles (0.00012%); highest among the groups gnomAD compares: Non-Finnish European, 0.00017%; no homozygotes.

Submission:

Labcorp Genetics (formerly Invitae), Labcorp
Classification: Uncertain significance for Hereditary hyperekplexia. Last evaluated: 2024-01-16. Review status: criteria provided, single submitter. Criteria: Invitae Variant Classification Sherloc (09022015). Collection method: clinical testing. Allele origin: germline.
Comment: This sequence change replaces valine, which is neutral and non-polar, with alanine, which is neutral and non-polar, at codon 446 of the GLRA1 protein (p.Val446Ala). This variant is present in population databases (rs774573940, gnomAD 0.0009%). This variant has not been reported in the literature in individuals affected with GLRA1-related conditions. ClinVar contains an entry for this variant (Variation ID: 1958927). Advanced modeling of protein sequence and biophysical properties (such as structural, functional, and spatial information, amino acid conservation, physicochemical variation, residue mobility, and thermodynamic stability) performed at Invitae indicates that this missense variant is not expected to disrupt GLRA1 protein function with a negative predictive value of 95%. In summary, the available evidence is currently insufficient to determine the role of this variant in disease. Therefore, it has been classified as a Variant of Uncertain Significance.

NM_000171.4(GLRA1):c.1337T>C (p.Val446Ala)

Gene: GLRA1 (glycine receptor alpha 1; minus strand). Cytogenetic location: 5q33.1.
Variant type: single nucleotide variant.
Coding change: c.1337T>C on transcript NM_000171.4 (MANE Select); coding-DNA position 1337, T replaced by C.
Protein change: p.Val446Ala; replaces valine 446 with alanine.
Molecular consequence: missense variant.
Genome position (GRCh38, 1-based): chr5:151,822,686, A>G on the plus strand (T>C on the coding strand, the complement: GLRA1 is on the minus strand). VCF-style: chr5-151822686-A-G. GRCh37 (hg19) VCF-style: chr5-151202247-A-G.
Other names: c.1361T>C, p.Val454Ala (NM_001146040.2); c.1088T>C, p.Val363Ala (NM_001292000.2); short protein forms V454A, V363A, V446A.
Identifiers: ClinVar variation 1958927 (VCV001958927.5), dbSNP rs774573940, ClinGen allele CA3523453.
Genomic context (GRCh38, chr5:151,822,686, plus strand): 5'-TATTCCCACGTTCCCCTCTCCCAGCCTCCCCCAACCTTTCAGACCCTTCACTGGTTGTGG[A>G]CGTCCTCTCTACGGACAATCTTGTAGATGATCCAGTAGAACATGTTGAAAATGAGGAAGG-3'
Protein context (NP_000162.2, residues 436-449): IIYKIVRRED[Val446Ala]HNQ